The following is an entry in ClinVar:

NM_002929.3(GRK1):c.1575G>A (p.Thr525=)

Gene: GRK1 (G protein-coupled receptor kinase 1; plus strand). Cytogenetic location: 13q34.
Variant type: single nucleotide variant.
Coding change: c.1575G>A on transcript NM_002929.3 (MANE Select); coding-DNA position 1575, G replaced by A.
Protein change: p.Thr525=; no amino-acid change (threonine 525 retained).
Molecular consequence: synonymous variant.
Genome position (GRCh38, 1-based): chr13:113,735,246, G>A. VCF-style: chr13-113735246-G-A. GRCh37 (hg19) VCF-style: chr13-114438219-G-A.
Identifiers: ClinVar variation 3035446 (VCV003035446.3), dbSNP rs184505045, ClinGen allele CA7066370.
Genomic context (GRCh38, chr13:113,735,246, plus strand): 5'-CTTTCAGGAATTTGCCACTGGCAACTGCCCCATCCCCTGGCAGGAGGAGATGATCGAGAC[G>A]GGCATCTTTGGCGAGCTGAACGTGTGGCGCTCGGACGGTCAGATGCCGGACGACATGAAG-3'
Protein context (NP_002920.1, residues 515-535): PIPWQEEMIE[Thr525=]GIFGELNVWR

ClinVar aggregate classification (germline): Likely benign. Review status: criteria provided, single submitter (1 of 4 stars). 2 submissions from 2 submitters: Likely benign (1). 1 of the submissions does not count toward it. Last evaluated 2024-10-30.

Conditions:
GRK1-related disorder. Also called: GRK1-related condition.

Allele frequency attached by ClinVar (database versions not stated): 1000 Genomes Project 0.00020; 1000 Genomes Project 30x 0.00031; ExAC 0.00046; TOPMed 0.00067; gnomAD 0.00086; ESP Exome Variant Server 0.00153.

Submissions (2):

Blueprint Genetics
Classification: Likely benign. Last evaluated: 2024-10-30. Review status: criteria provided, single submitter. Criteria: ACMG Guidelines, 2015. Collection method: clinical testing. Allele origin: germline.

PreventionGenetics, part of Exact Sciences
Classification: Likely benign for GRK1-related condition. Last evaluated: 2019-08-29. Review status: no assertion criteria provided. Collection method: clinical testing. Allele origin: germline. Not counted in ClinVar's aggregate classification.
Comment: This variant is classified as likely benign based on ACMG/AMP sequence variant interpretation guidelines (Richards et al. 2015 PMID: 25741868, with internal and published modifications).